The following is an entry in ClinVar:

NM_033056.4(PCDH15):c.5272_5355del (p.Pro1758_Ser1785del)

Gene: PCDH15 (protocadherin related 15; minus strand). Cytogenetic location: 10q21.1.
Variant type: Deletion.
Coding change: c.5272_5355del on transcript NM_033056.4 (MANE Plus Clinical); coding-DNA positions 5272 to 5355, 84 bases deleted.
Protein change: p.Pro1758_Ser1785del.
Molecular consequence: inframe deletion. On other transcripts: intron variant (8).
Genome position (GRCh38, 1-based): chr10:53,822,371-53,822,454, 84 bases deleted. GRCh37 (hg19): chr10:55,582,143-55,582,226.
Other names: c.5293_5376del, p.Pro1765_Ser1792del (NM_001142763.2); c.5278_5361del, p.Pro1760_Ser1787del (NM_001142764.2); c.5065_5148del, p.Pro1689_Ser1716del (NM_001142765.2); c.5263_5346del, p.Pro1755_Ser1782del (NM_001142766.2); c.5152_5235del, p.Pro1718_Ser1745del (NM_001142767.2); c.5212_5295del, p.Pro1738_Ser1765del (NM_001142768.2); c.5203_5286del, p.Pro1735_Ser1762del (NM_001142773.2); c.5206_5289del, p.Pro1736_Ser1763del (NM_001354404.2); and 7 more.
Identifiers: ClinVar variation 2788461 (VCV002788461.4), dbSNP rs2492361156, ClinGen allele CA2739265375.

ClinVar aggregate classification (germline): Conflicting classifications of pathogenicity. Review status: criteria provided, conflicting classifications (1 of 4 stars). 2 submissions from 2 submitters: Uncertain significance (1); Likely benign (1). Last evaluated 2025-11-04.

Conditions:
Usher syndrome type 1F (USH1F). Also called: USHER SYNDROME, TYPE IF. Identifiers: Orphanet 231169, Orphanet 886, MedGen C1865885, MONDO:0011186, OMIM 602083.

Submissions (2):

Myriad Genetics, Inc.
Classification: Uncertain significance for Usher syndrome type 1F. Last evaluated: 2025-11-04. Review status: criteria provided, single submitter. Criteria: Myriad Autosomal Dominant, Autosomal Recessive and X-Linked Classification Criteria (2023). Collection method: clinical testing. Allele origin: unknown.
Comment: NM_033056.3(PCDH15):c.5272_5355del84(P1758_S1785del) is an in-frame deletion classified as a variant of uncertain significance in the context of PCDH15-related disorders. P1758_S1785del has not been observed in cases with relevant disease. Relevant functional assessments of this variant are not available in the literature. P1758_S1785del has not been observed in referenced population frequency databases. In summary, there is insufficient evidence to classify NM_033056.3(PCDH15):c.5272_5355del84(P1758_S1785del) as pathogenic or benign. Please note: this variant was assessed in the context of healthy population screening.

Labcorp Genetics (formerly Invitae), Labcorp
Classification: Likely benign. Last evaluated: 2023-01-05. Review status: criteria provided, single submitter. Criteria: Invitae Variant Classification Sherloc (09022015). Collection method: clinical testing. Allele origin: germline.